The following is an entry in ClinVar:

ClinVar aggregate classification (germline): Uncertain significance. Review status: criteria provided, multiple submitters, no conflicts (2 of 4 stars). 4 submissions from 4 submitters: Uncertain significance (4). Last evaluated 2024-09-07.

Conditions:
Charcot-Marie-Tooth disease type 4B3. Also called: CHARCOT-MARIE-TOOTH DISEASE, DEMYELINATING, TYPE 4B3; Charcot-Marie-Tooth Neuropathy Type 4B3. Identifiers: Orphanet 363981, MedGen C3695063, MONDO:0014117, OMIM 615284.

Allele frequency attached by ClinVar (database versions not stated): gnomAD exomes 0.00001; ExAC 0.00002; gnomAD 0.00009 and 0.00010; 1000 Genomes Project 0.00020; TOPMed 0.00028; 1000 Genomes Project 30x 0.00031.
gnomAD v4.1: 28 of 1,613,060 alleles (0.0017%); highest among the groups gnomAD compares: Admixed American, 0.04%; no homozygotes.

Submissions (4):

GeneDx
Classification: Uncertain significance. Last evaluated: 2024-09-07. Review status: criteria provided, single submitter. Criteria: GeneDx Variant Classification Process June 2021. Collection method: clinical testing. Allele origin: germline. Affected: yes.
Comment: Not observed at significant frequency in large population cohorts (gnomAD); In silico analysis indicates that this missense variant does not alter protein structure/function; Has not been previously published as pathogenic or benign to our knowledge

Fulgent Genetics
Classification: Uncertain significance for Charcot-Marie-Tooth disease type 4B3. Last evaluated: 2024-06-13. Review status: criteria provided, single submitter. Criteria: ACMG Guidelines, 2015. Collection method: clinical testing. Allele origin: germline.

Labcorp Genetics (formerly Invitae), Labcorp
Classification: Uncertain significance. Last evaluated: 2021-10-28. Review status: criteria provided, single submitter. Criteria: Invitae Variant Classification Sherloc (09022015). Collection method: clinical testing. Allele origin: germline.
Comment: This sequence change replaces arginine, which is basic and polar, with histidine, which is basic and polar, at codon 1771 of the SBF1 protein (p.Arg1771His). This variant is present in population databases (rs559286048, gnomAD 0.009%). This variant has not been reported in the literature in individuals affected with SBF1-related conditions. Algorithms developed to predict the effect of missense changes on protein structure and function are either unavailable or do not agree on the potential impact of this missense change (SIFT: "Tolerated"; PolyPhen-2: "Possibly Damaging"; Align-GVGD: "Class C0"). In summary, the available evidence is currently insufficient to determine the role of this variant in disease. Therefore, it has been classified as a Variant of Uncertain Significance.

Ambry Genetics
Classification: Uncertain significance. Last evaluated: 2021-10-06. Review status: criteria provided, single submitter. Criteria: Ambry Variant Classification Scheme 2023. Collection method: clinical testing. Allele origin: germline.

NM_002972.4(SBF1):c.5312G>A (p.Arg1771His)

Gene: SBF1 (SET binding factor 1; minus strand). Cytogenetic location: 22q13.33.
Variant type: single nucleotide variant.
Coding change: c.5312G>A on transcript NM_002972.4 (MANE Select); coding-DNA position 5312, G replaced by A.
Protein change: p.Arg1771His; replaces arginine 1771 with histidine.
Molecular consequence: missense variant.
Genome position (GRCh38, 1-based): chr22:50,448,284, C>T on the plus strand (G>A on the coding strand, the complement: SBF1 is on the minus strand). VCF-style: chr22-50448284-C-T. GRCh37 (hg19) VCF-style: chr22-50886713-C-T.
Other names: c.5237G>A, p.Arg1746His (NM_001365819.1); c.5312G>A (NM_002972.2); short protein forms R1771H, R1746H.
Identifiers: ClinVar variation 1441977 (VCV001441977.6), dbSNP rs559286048, ClinGen allele CA10315898.